The following is an entry in ClinVar:

ClinVar aggregate classification (germline): Likely benign. Review status: criteria provided, multiple submitters, no conflicts (2 of 4 stars). 3 submissions from 3 submitters: Likely benign (2). 1 of the submissions does not count toward it. Last evaluated 2025-12-05.

Conditions:
HPS3-related disorder. Also called: HPS3-related condition.
Hermansky-Pudlak syndrome (HPS). Also called: ALBINISM WITH HEMORRHAGIC DIATHESIS AND PIGMENTED RETICULOENDOTHELIAL CELLS. Identifiers: Orphanet 79430, MedGen C0079504, MONDO:0019312.

Allele frequency attached by ClinVar (database versions not stated): gnomAD exomes 0.00002 and 0.00013; gnomAD 0.00003 and 0.00004; TOPMed 0.00006; ExAC 0.00017.
gnomAD v4.1: 28 of 1,612,894 alleles (0.0017%); highest among the groups gnomAD compares: East Asian, 0.058%; no homozygotes.

Submissions (3):

PreventionGenetics, part of Exact Sciences
Classification: Likely benign for HPS3-related condition. Last evaluated: 2025-12-05. Review status: criteria provided, single submitter. Criteria: ACMG Guidelines, 2015. Collection method: clinical testing. Allele origin: germline.
Comment: This variant is classified as likely benign based on ACMG/AMP sequence variant interpretation guidelines (Richards et al. 2015 PMID: 25741868, with internal and published modifications).

Labcorp Genetics (formerly Invitae), Labcorp
Classification: Likely benign. Last evaluated: 2025-08-19. Review status: criteria provided, single submitter. Criteria: Invitae Variant Classification Sherloc (09022015). Collection method: clinical testing. Allele origin: germline.

Natera, Inc.
Classification: Likely benign for Hermansky-Pudlak syndrome. Last evaluated: 2020-09-28. Review status: no assertion criteria provided. Collection method: clinical testing. Allele origin: germline. Not counted in ClinVar's aggregate classification.

NM_032383.5(HPS3):c.957C>G (p.Pro319=)

Gene: HPS3 (HPS3 biogenesis of lysosomal organelles complex 2 subunit 1; plus strand). Cytogenetic location: 3q24.
Variant type: single nucleotide variant.
Coding change: c.957C>G on transcript NM_032383.5 (MANE Select); coding-DNA position 957, C replaced by G.
Protein change: p.Pro319=; no amino-acid change (proline 319 retained).
Molecular consequence: synonymous variant.
Genome position (GRCh38, 1-based): chr3:149,141,367, C>G. VCF-style: chr3-149141367-C-G. GRCh37 (hg19) VCF-style: chr3-148859154-C-G.
Other names: c.462C>G, p.Pro154= (NM_001308258.2).
Identifiers: ClinVar variation 794887 (VCV000794887.12), dbSNP rs751233801, ClinGen allele CA2659951.